The following is an entry in ClinVar:

ClinVar aggregate classification (germline): Uncertain significance. Review status: criteria provided, multiple submitters, no conflicts (2 of 4 stars). 2 submissions from 2 submitters: Uncertain significance (2). Last evaluated 2022-10-23.

Conditions:
Intellectual developmental disorder, X-linked 1. Also called: MENTAL RETARDATION, X-LINKED 18; MENTAL RETARDATION, X-LINKED 78; Intellectual disability, X-linked 1; Atkin Flaitz Patil Smith syndrome. Identifiers: Orphanet 777, MedGen C2931498, MONDO:0010656, OMIM 309530.

Allele frequency attached by ClinVar (database versions not stated): gnomAD exomes below 0.00001.
gnomAD v4.1: 2 of 1,191,797 alleles (0.00017%); highest among the groups gnomAD compares: Non-Finnish European, 0.00023%; no homozygotes.

Submissions (2):

GeneDx
Classification: Uncertain significance. Last evaluated: 2022-10-23. Review status: criteria provided, single submitter. Criteria: GeneDx Variant Classification Process June 2021. Collection method: clinical testing. Allele origin: germline. Affected: yes.
Comment: Not observed at significant frequency in large population cohorts (gnomAD); In silico analysis supports that this missense variant does not alter protein structure/function; Has not been previously published as pathogenic or benign to our knowledge

Labcorp Genetics (formerly Invitae), Labcorp
Classification: Uncertain significance for Intellectual developmental disorder, X-linked 1. Last evaluated: 2022-09-20. Review status: criteria provided, single submitter. Criteria: Invitae Variant Classification Sherloc (09022015). Collection method: clinical testing. Allele origin: germline.
Comment: In summary, the available evidence is currently insufficient to determine the role of this variant in disease. Therefore, it has been classified as a Variant of Uncertain Significance. Advanced modeling of protein sequence and biophysical properties (such as structural, functional, and spatial information, amino acid conservation, physicochemical variation, residue mobility, and thermodynamic stability) performed at Invitae indicates that this missense variant is not expected to disrupt IQSEC2 protein function. This variant has not been reported in the literature in individuals affected with IQSEC2-related conditions. This variant is not present in population databases (gnomAD no frequency). This sequence change replaces proline, which is neutral and non-polar, with histidine, which is basic and polar, at codon 276 of the IQSEC2 protein (p.Pro276His).

NM_001111125.3(IQSEC2):c.827C>A (p.Pro276His)

Gene: IQSEC2 (IQ motif and Sec7 domain ArfGEF 2; minus strand). Cytogenetic location: Xp11.22.
Variant type: single nucleotide variant.
Coding change: c.827C>A on transcript NM_001111125.3 (MANE Select); coding-DNA position 827, C replaced by A.
Protein change: p.Pro276His; replaces proline 276 with histidine.
Molecular consequence: missense variant.
Genome position (GRCh38, 1-based): chrX:53,255,972, G>T on the plus strand (C>A on the coding strand, the complement: IQSEC2 is on the minus strand). VCF-style: chrX-53255972-G-T. GRCh37 (hg19) VCF-style: chrX-53285154-G-T.
Other names: c.827C>A (NM_001111125.1); c.827C>A, p.Pro276His (NM_001410736.1); c.212C>A, p.Pro71His (NM_015075.2); short protein forms P276H, P71H.
Identifiers: ClinVar variation 1719912 (VCV001719912.6), dbSNP rs782534407, ClinGen allele CA10420138.
Genomic context (GRCh38, chrX:53,255,972, plus strand): 5'-GCCCGCTGAGCCCAGGGAAGGCCCACTCCAGCAGGGGGGCCCCCCATGTGGCTGCTGGAG[G>T]GGGGCAGCTGGCTCAGCCGGTAGGGGGGTTGGCTCCCAGGACTATCAACCGCTGTGCTCA-3'
Protein context (NP_001104595.1, residues 266-286): QPPYRLSQLP[Pro276His]SSSHMGGPPA